The following is an entry in ClinVar:

NM_001009944.3(PKD1):c.9923+35G>T

Gene: PKD1 (polycystin 1, transient receptor potential channel interacting; minus strand). Cytogenetic location: 16p13.3.
Variant type: single nucleotide variant.
Coding change: c.9923+35G>T on transcript NM_001009944.3 (MANE Select); 35 bases into the intron after coding-DNA position 9923, G replaced by T.
Molecular consequence: intron variant.
Genome position (GRCh38, 1-based): chr16:2,099,826, C>A on the plus strand (G>T on the coding strand, the complement: PKD1 is on the minus strand). VCF-style: chr16-2099826-C-A. GRCh37 (hg19) VCF-style: chr16-2149827-C-A.
Other names: c.9923+35G>T (NM_000296.4).
Identifiers: ClinVar variation 993745 (VCV000993745.8), dbSNP rs376365127, ClinGen allele CA7829878.
Genomic context (GRCh38, chr16:2,099,826, plus strand): 5'-CCGTGCTGTGTGGAGGAGAGGAGGCCACACAGGTGAGGCTGAGGGGCAGGAAGGGCTGGG[C>A]AGGAAGAGGCTGCCCCGACCCCTACGGCACCCACCTGTAGGCAGAGTCGCCAACAGCCCC-3'

ClinVar aggregate classification (germline): Uncertain significance (1 of 4 stars; one submission).

Conditions:
Polycystic kidney disease, adult type (PKD1). Also called: Polycystic Kidney Disease 1, Autosomal Dominant; Polycystic kidney disease 1; Polycystic kidney disease 1, severe; POLYCYSTIC KIDNEY DISEASE, ADULT, TYPE I; POLYCYSTIC KIDNEY DISEASE 1 WITH OR WITHOUT POLYCYSTIC LIVER DISEASE; Polycystic Kidney, Autosomal Dominant. Identifiers: MedGen C3149841, MONDO:0008263, OMIM 173900.

Allele frequency attached by ClinVar (database versions not stated): ESP Exome Variant Server 0.00008; ExAC 0.00012; 1000 Genomes Project 0.00020; gnomAD 0.00021; gnomAD exomes 0.00022 and 0.00055; TOPMed 0.00023; 1000 Genomes Project 30x 0.00031.
gnomAD v4.1: 791 of 1,557,746 alleles (0.051%); highest among the groups gnomAD compares: Non-Finnish European, 0.066%; 2 homozygotes.

Submission:

ARUP Laboratories, Molecular Genetics and Genomics, ARUP Laboratories
Classification: Uncertain significance for Polycystic kidney disease, adult type. Last evaluated: 2020-01-30. Review status: criteria provided, single submitter. Criteria: ARUP Molecular Germline Variant Investigation Process. Collection method: clinical testing. Allele origin: germline.
Comment: The PKD1 c.9923+35G>T variant (rs376365127) is not been reported in the medical literature, but is listed as likely neutral in the Mayo ADPKD database (see link). This variant is found in the general population with an overall allele frequency of 0.021% (40/190378 alleles, including a single homozygote) in the Genome Aggregation Database. This is an intronic variant in a weakly conserved nucleotide, and computational analyses (Alamut v.2.11) predict that this variant may impact splicing by strengthening a cryptic splice acceptor site 40 nucleotides downstream of the canonical splice donor. Although most introns in the human genome are 60 nucleotides or larger (Zhang 1998), the presence of at least one canonical intron that is only 24 nucleotide in length suggests that the cryptic splice acceptor could participate in aberrant splicing. However, without functional studies the effect on splicing is unknown. Due to limited information, the clinical significance of the c.9923+35G>T variant is uncertain at this time. References: Mayo ADPKD database: Zhang M. Statistical features of human exons and their flanking regions. Hum Mol Genet. 1998; 7(5):919-32.